The following is an entry in ClinVar:

ClinVar aggregate classification (germline): Uncertain significance (1 of 4 stars; one submission).

Conditions:
Bardet-Biedl syndrome (BBS). Identifiers: Orphanet 110, MedGen C0752166, MONDO:0015229.

Submission:

Labcorp Genetics (formerly Invitae), Labcorp
Classification: Uncertain significance for Bardet-Biedl syndrome. Last evaluated: 2022-02-11. Review status: criteria provided, single submitter. Criteria: Invitae Variant Classification Sherloc (09022015). Collection method: clinical testing. Allele origin: germline.
Comment: This sequence change replaces glutamine, which is neutral and polar, with proline, which is neutral and non-polar, at codon 151 of the BBS5 protein (p.Gln151Pro). This variant is not present in population databases (gnomAD no frequency). This variant has not been reported in the literature in individuals affected with BBS5-related conditions. Algorithms developed to predict the effect of missense changes on protein structure and function are either unavailable or do not agree on the potential impact of this missense change (SIFT: "Tolerated"; PolyPhen-2: "Probably Damaging"; Align-GVGD: "Class C0"). In summary, the available evidence is currently insufficient to determine the role of this variant in disease. Therefore, it has been classified as a Variant of Uncertain Significance.

NM_152384.3(BBS5):c.452A>C (p.Gln151Pro)

Gene: BBS5 (Bardet-Biedl syndrome 5; plus strand). Cytogenetic location: 2q31.1.
Variant type: single nucleotide variant.
Coding change: c.452A>C on transcript NM_152384.3 (MANE Select); coding-DNA position 452, A replaced by C.
Protein change: p.Gln151Pro; replaces glutamine 151 with proline.
Molecular consequence: missense variant.
Genome position (GRCh38, 1-based): chr2:169,492,939, A>C. VCF-style: chr2-169492939-A-C. GRCh37 (hg19) VCF-style: chr2-170349449-A-C.
Other names: short protein forms Q151P.
Identifiers: ClinVar variation 1974699 (VCV001974699.2), dbSNP rs2468041629, ClinGen allele CA349164748.